The following is an entry in ClinVar:

ClinVar aggregate classification (germline): Uncertain significance (1 of 4 stars; one submission).

Conditions:
X-linked lymphoproliferative disease due to XIAP deficiency. Also called: XIAP DEFICIENCY; XIAP-Related Lymphoproliferative Disease, X-Linked. Identifiers: Orphanet 2442, Orphanet 538934, MedGen C1845076, MONDO:0010385, OMIM 300635.

Allele frequency attached by ClinVar (database versions not stated): gnomAD exomes below 0.00001 and 0.00001; ExAC 0.00001.
gnomAD v4.1: 2 of 1,211,920 alleles (0.00017%); highest among the groups gnomAD compares: Non-Finnish European, 0.00022%; no homozygotes.

Submission:

Labcorp Genetics (formerly Invitae), Labcorp
Classification: Uncertain significance for X-linked lymphoproliferative disease due to XIAP deficiency. Last evaluated: 2021-11-26. Review status: criteria provided, single submitter. Criteria: Invitae Variant Classification Sherloc (09022015). Collection method: clinical testing. Allele origin: germline.
Comment: This variant has not been reported in the literature in individuals affected with XIAP-related conditions. This variant is present in population databases (rs751640412, gnomAD 0.001%). This sequence change replaces serine, which is neutral and polar, with asparagine, which is neutral and polar, at codon 239 of the XIAP protein (p.Ser239Asn). In summary, the available evidence is currently insufficient to determine the role of this variant in disease. Therefore, it has been classified as a Variant of Uncertain Significance. Algorithms developed to predict the effect of missense changes on protein structure and function output the following: SIFT: "Not Available"; PolyPhen-2: "Benign"; Align-GVGD: "Not Available". The asparagine amino acid residue is found in multiple mammalian species, which suggests that this missense change does not adversely affect protein function.

NM_001167.4(XIAP):c.716G>A (p.Ser239Asn)

Gene: XIAP (X-linked inhibitor of apoptosis; plus strand). Cytogenetic location: Xq25.
Variant type: single nucleotide variant.
Coding change: c.716G>A on transcript NM_001167.4 (MANE Select); coding-DNA position 716, G replaced by A.
Protein change: p.Ser239Asn; replaces serine 239 with asparagine.
Molecular consequence: missense variant.
Genome position (GRCh38, 1-based): chrX:123,886,378, G>A. VCF-style: chrX-123886378-G-A. GRCh37 (hg19) VCF-style: chrX-123020228-G-A.
Other names: c.716G>A, p.Ser239Asn (NM_001204401.2, NM_001378590.1, NM_001378591.1 and 1 more transcripts); short protein forms S239N.
Identifiers: ClinVar variation 1347931 (VCV001347931.6), dbSNP rs751640412, ClinGen allele CA10508043.